The following is an entry in ClinVar:

ClinVar aggregate classification (germline): Uncertain significance (1 of 4 stars; one submission).

Submission:

GeneDx
Classification: Uncertain significance. Last evaluated: 2026-02-27. Review status: criteria provided, single submitter. Criteria: GeneDx Variant Classification Process June 2021. Collection method: clinical testing. Allele origin: germline.
Comment: Not observed at significant frequency in large population cohorts (gnomAD); In silico analysis suggests that this missense variant does not alter protein structure/function; Has not been previously published as pathogenic or benign to our knowledge

NM_006593.4(TBR1):c.541G>A (p.Gly181Ser)

Gene: TBR1 (T-box brain transcription factor 1; plus strand). Cytogenetic location: 2q24.2.
Variant type: single nucleotide variant.
Coding change: c.541G>A on transcript NM_006593.4 (MANE Select); coding-DNA position 541, G replaced by A.
Protein change: p.Gly181Ser; replaces glycine 181 with serine.
Molecular consequence: missense variant.
Genome position (GRCh38, 1-based): chr2:161,416,951, G>A. VCF-style: chr2-161416951-G-A. GRCh37 (hg19) VCF-style: chr2-162273462-G-A.
Other names: short protein forms G181S.
Identifiers: ClinVar variation 5008006 (VCV005008006.1).